The following is an entry in ClinVar:

NM_000256.3(MYBPC3):c.3491-3C>A

Gene: MYBPC3 (myosin binding protein C3; minus strand). Cytogenetic location: 11p11.2.
Variant type: single nucleotide variant.
Coding change: c.3491-3C>A on transcript NM_000256.3 (MANE Select); 3 bases into the intron before coding-DNA position 3491, C replaced by A.
Molecular consequence: intron variant.
Genome position (GRCh38, 1-based): chr11:47,332,705, G>T on the plus strand (C>A on the coding strand, the complement: MYBPC3 is on the minus strand). VCF-style: chr11-47332705-G-T. GRCh37 (hg19) VCF-style: chr11-47354256-G-T.
Other names: c.3491-3C>A (LRG_386t1).
Identifiers: ClinVar variation 181009 (VCV000181009.6), dbSNP rs730880592, ClinGen allele CA014273.

ClinVar aggregate classification (germline): Uncertain significance. Review status: criteria provided, multiple submitters, no conflicts (2 of 4 stars). 2 submissions from 2 submitters: Uncertain significance (2). Last evaluated 2021-04-08.

Conditions:
Cardiovascular phenotype. Identifiers: MedGen CN230736.

Submissions (2):

GeneDx
Classification: Uncertain significance. Last evaluated: 2021-04-08. Review status: criteria provided, single submitter. Criteria: GeneDx Variant Classification Process June 2021. Collection method: clinical testing. Allele origin: germline. Affected: yes.
Comment: Has not been previously published as pathogenic or benign to our knowledge; In silico analysis supports a deleterious effect on splicing; Not observed in large population cohorts (Lek et al., 2016)

Ambry Genetics
Classification: Uncertain significance for Cardiovascular phenotype. Last evaluated: 2019-07-03. Review status: criteria provided, single submitter. Criteria: Ambry Variant Classification Scheme 2023. Collection method: clinical testing. Allele origin: germline.
Comment: The c.3491-3C>A intronic variant results from a C to A substitution 3 nucleotides upstream from coding exon 32 in the MYBPC3 gene. This nucleotide position is highly conserved in available vertebrate species. Another alteration affecting the same position, c.3491-3C>G, has been reported in association with hypertrophic cardiomyopathy (HCM) (Lopes LR et al. Heart, 2015 Feb;101:294-301). The BDGP splice prediction software does not produce a reliable prediction for the nearby native splice acceptor site. The ESEfinder splice prediction software predicts a weakening in the native splice acceptor site efficiency. Since supporting evidence is limited at this time, the clinical significance of this alteration remains unclear.

Literature cited by the submitters: PubMed 25351510 (cited by Ambry Genetics).